The following is an entry in ClinVar:

ClinVar aggregate classification (germline): Likely benign. Review status: criteria provided, multiple submitters, no conflicts (2 of 4 stars). 2 submissions from 2 submitters: Likely benign (2). Last evaluated 2025-02-01.

gnomAD v4.1: 21 of 1,613,660 alleles (0.0013%); highest among the groups gnomAD compares: Middle Eastern, 0.016%; no homozygotes.

Submissions (2):

CeGaT Center for Human Genetics Tuebingen
Classification: Likely benign. Last evaluated: 2025-02-01. Review status: criteria provided, single submitter. Criteria: CeGaT Center For Human Genetics Tuebingen Variant Classification Criteria Version 2. Collection method: clinical testing. Allele origin: germline. Affected: yes. Observed: 1 variant allele.
Comment: ASXL3: BP4, BP7

Blueprint Genetics
Classification: Likely benign. Last evaluated: 2024-06-21. Review status: criteria provided, single submitter. Criteria: ACMG Guidelines, 2015. Collection method: clinical testing. Allele origin: germline.

NM_030632.3(ASXL3):c.1833G>A (p.Thr611=)

Gene: ASXL3 (ASXL transcriptional regulator 3; plus strand). Cytogenetic location: 18q12.1.
Variant type: single nucleotide variant.
Coding change: c.1833G>A on transcript NM_030632.3 (MANE Select); coding-DNA position 1833, G replaced by A.
Protein change: p.Thr611=; no amino-acid change (threonine 611 retained).
Molecular consequence: synonymous variant.
Genome position (GRCh38, 1-based): chr18:33,739,237, G>A. VCF-style: chr18-33739237-G-A. GRCh37 (hg19) VCF-style: chr18-31319201-G-A.
Identifiers: ClinVar variation 3771528 (VCV003771528.14).
Genomic context (GRCh38, chr18:33,739,237, plus strand): 5'-TATGGAGCTACAGAGTGACCCTGAAGAACAGCTTTCAGAAAATGCCTGCATCTCTGAAAC[G>A]TCCTTTTCTTCTGAGAGCCCAGAGGGAGCCTGTACCAGCCTGCCTTCTCCAGGAGGGGAA-3'
Protein context (NP_085135.1, residues 601-621): QLSENACISE[Thr611=]SFSSESPEGA